The following is an entry in ClinVar:

NM_020975.6(RET):c.736C>A (p.His246Asn)

Gene: RET (ret proto-oncogene; plus strand). Cytogenetic location: 10q11.21.
Variant type: single nucleotide variant.
Coding change: c.736C>A on transcript NM_020975.6 (MANE Select); coding-DNA position 736, C replaced by A.
Protein change: p.His246Asn; replaces histidine 246 with asparagine.
Molecular consequence: missense variant.
Genome position (GRCh38, 1-based): chr10:43,105,062, C>A. VCF-style: chr10-43105062-C-A. GRCh37 (hg19) VCF-style: chr10-43600510-C-A.
Other names: p.His246Asn; c.736C>A, p.His246Asn (NM_000323.2, NM_001406743.1, NM_001406744.1 and 8 more transcripts); c.-27C>A (NM_001355216.2); c.607C>A, p.His203Asn (NM_001406761.1, NM_001406762.1, NM_001406764.1 and 2 more transcripts); c.448C>A, p.His150Asn (NM_001406766.1, NM_001406767.1, NM_001406770.1); short protein forms H246N, H203N, H150N.
Identifiers: ClinVar variation 486315 (VCV000486315.21), dbSNP rs780756440, ClinGen allele CA044654.
Genomic context (GRCh38, chr10:43,105,062, plus strand): 5'-CGCTGGGCCCTGGACCGCGAGCAGCGGGAGAAGTACGAGCTGGTGGCCGTGTGCACCGTG[C>A]ACGCCGGCGCGCGCGAGGAGGTGGTGATGGTGCCCTTCCCGGTGACCGTGTACGACGAGG-3'
Protein context (NP_066124.1, residues 236-256): KYELVAVCTV[His246Asn]AGAREEVVMV

ClinVar aggregate classification (germline): Conflicting classifications of pathogenicity. Review status: criteria provided, conflicting classifications (1 of 4 stars). 7 submissions from 7 submitters: Uncertain significance (6); Likely benign (1). Last evaluated 2025-09-10.

Conditions:
Familial medullary thyroid carcinoma (MTC). Also called: Familial Medullary Thyroid Carcinoma (FMTC); Thyroid cancer, familial medullary; MTC, familial. Identifiers: Orphanet 653, Orphanet 99361, MedGen C1833921, MONDO:0007958, OMIM 155240.
Pheochromocytoma. Also called: MAX-Related Hereditary Paraganglioma-Pheochromocytoma Syndrome. Identifiers: Orphanet 29072, MedGen C0031511, MONDO:0008233, OMIM 171300, HP:0002666.
Multiple endocrine neoplasia type 2A. Also called: Multiple Endocrine Neoplasia Type 2A (MEN2A); MULTIPLE ENDOCRINE NEOPLASIA, TYPE IIA; PTC SYNDROME; SIPPLE SYNDROME; MEN 2A; MEN-2A syndrome. Identifiers: Orphanet 247698, Orphanet 653, MedGen C0025268, MeSH D018813, MONDO:0008234, OMIM 171400.
Hirschsprung disease, susceptibility to, 1 (HSCR1). Also called: RET-Related Hirschsprung Disease. Identifiers: Orphanet 388, MedGen C3888239, MONDO:0007723, OMIM 142623.
Multiple endocrine neoplasia type 2B. Also called: WAGENMANN-FROBOESE SYNDROME; MULTIPLE ENDOCRINE NEOPLASIA, TYPE III; MUCOSAL NEUROMA SYNDROME; Multiple Endocrine Neoplasia Type 2B (MEN2B); Multiple endocrine neoplasia, type 3; MULTIPLE ENDOCRINE NEOPLASIA, TYPE IIB. Identifiers: Orphanet 247709, Orphanet 653, MedGen C0025269, MeSH D018814, MONDO:0008082, OMIM 162300.
Hereditary cancer-predisposing syndrome. Also called: Hereditary Cancer Syndrome; Hereditary neoplastic syndrome; Tumor predisposition; Neoplastic Syndromes, Hereditary. Identifiers: Orphanet 140162, MedGen C0027672, MeSH D009386, MONDO:0015356.
Multiple endocrine neoplasia, type 2 (MEN2). Identifiers: Orphanet 653, MedGen C4048306, MONDO:0019003. Disease mechanism: gain of function.

Allele frequency attached by ClinVar (database versions not stated): TOPMed 0.00004; gnomAD 0.00006.
gnomAD v4.1: 7 of 1,609,636 alleles (0.00043%); highest among the groups gnomAD compares: African/African-American, 0.0093%; no homozygotes.

Submissions (7):

Labcorp Genetics (formerly Invitae), Labcorp
Classification: Uncertain significance for Multiple endocrine neoplasia, type 2. Last evaluated: 2025-09-10. Review status: criteria provided, single submitter. Criteria: Invitae Variant Classification Sherloc (09022015). Collection method: clinical testing. Allele origin: germline.
Comment: This sequence change replaces histidine, which is basic and polar, with asparagine, which is neutral and polar, at codon 246 of the RET protein (p.His246Asn). This variant is present in population databases (rs780756440, gnomAD 0.02%). This variant has not been reported in the literature in individuals affected with RET-related conditions. ClinVar contains an entry for this variant (Variation ID: 486315). An algorithm developed to predict the effect of missense changes on protein structure and function (PolyPhen-2) suggests that this variant is likely to be tolerated. In summary, the available evidence is currently insufficient to determine the role of this variant in disease. Therefore, it has been classified as a Variant of Uncertain Significance.

Fulgent Genetics
Classification: Uncertain significance for Hirschsprung disease, susceptibility to, 1; Familial medullary thyroid carcinoma; Multiple endocrine neoplasia type 2B; Pheochromocytoma; Multiple endocrine neoplasia type 2A. Last evaluated: 2024-06-18. Review status: criteria provided, single submitter. Criteria: ACMG Guidelines, 2015. Collection method: clinical testing. Allele origin: germline.

Color Diagnostics, LLC DBA Color Health
Classification: Uncertain significance for Multiple endocrine neoplasia, type 2. Last evaluated: 2024-03-07. Review status: criteria provided, single submitter. Criteria: ACMG Guidelines, 2015. Collection method: clinical testing. Allele origin: germline.
Comment: This missense variant replaces histidine with asparagine at codon 246 of the RET protein. Computational prediction suggests that this variant may not impact protein structure and function. To our knowledge, functional studies have not been reported for this variant. This variant has not been reported in individuals affected with RET-related disorders in the literature. This variant has been identified in 5/273430 chromosomes in the general population by the Genome Aggregation Database (gnomAD). The available evidence is insufficient to determine the role of this variant in disease conclusively. Therefore, this variant is classified as a Variant of Uncertain Significance.

GeneDx
Classification: Uncertain significance. Last evaluated: 2023-11-01. Review status: criteria provided, single submitter. Criteria: GeneDx Variant Classification Process June 2021. Collection method: clinical testing. Allele origin: germline. Affected: yes.
Comment: Not observed at significant frequency in large population cohorts (gnomAD); In silico analysis supports that this missense variant does not alter protein structure/function; Has not been previously published as pathogenic or benign to our knowledge; This variant is associated with the following publications: (PMID: 29641532, 29684080, 14633923)

Baylor Genetics
Classification: Uncertain significance for Hirschsprung disease, susceptibility to, 1. Last evaluated: 2023-10-22. Review status: criteria provided, single submitter. Criteria: ACMG Guidelines, 2015. Collection method: clinical testing. Allele origin: unknown.

Ambry Genetics
Classification: Likely benign for Hereditary cancer-predisposing syndrome. Last evaluated: 2023-01-19. Review status: criteria provided, single submitter. Criteria: Ambry Variant Classification Scheme 2023. Collection method: clinical testing. Allele origin: germline.

Mayo Clinic Laboratories, Mayo Clinic
Classification: Uncertain significance. Last evaluated: 2022-10-20. Review status: criteria provided, single submitter. Criteria: ACMG Guidelines, 2015. Collection method: clinical testing. Allele origin: germline. Observed: 1 variant allele.
Comment: BP4